The following is an entry in ClinVar:

NM_000090.4(COL3A1):c.3302G>C (p.Gly1101Ala)

Gene: COL3A1 (collagen type III alpha 1 chain; plus strand). Cytogenetic location: 2q32.2.
Variant type: single nucleotide variant.
Coding change: c.3302G>C on transcript NM_000090.4 (MANE Select); coding-DNA position 3302, G replaced by C.
Protein change: p.Gly1101Ala; replaces glycine 1101 with alanine.
Molecular consequence: missense variant.
Genome position (GRCh38, 1-based): chr2:189,007,546, G>C. VCF-style: chr2-189007546-G-C. GRCh37 (hg19) VCF-style: chr2-189872272-G-C.
Other names: short protein forms G1101A.
Identifiers: ClinVar variation 3386484 (VCV003386484.2).

ClinVar aggregate classification (germline): Likely pathogenic. Review status: criteria provided, multiple submitters, no conflicts (2 of 4 stars). 2 submissions from 2 submitters: Likely pathogenic (2). Last evaluated 2024-11-05.

Conditions:
Ehlers-Danlos syndrome, type 4 (EDSVASC). Also called: Ehlers-Danlos syndrome vascular type; Ehlers Danlos syndrome, ecchymotic type; Ehlers Danlos syndrome, arterial type; Ehlers Danlos syndrome, Sack-Barabas type; Ehlers-Danlos Syndrome Type IV. Identifiers: Orphanet 286, MedGen C0268338, MONDO:0017314, OMIM 130050.
Familial thoracic aortic aneurysm and aortic dissection (TAAD). Also called: Thoracic aortic aneurysms and dissections. Identifiers: Orphanet 91387, MedGen C4707243, MONDO:0019625.

Submissions (2):

Color Diagnostics, LLC DBA Color Health
Classification: Likely pathogenic for Familial thoracic aortic aneurysm and aortic dissection. Last evaluated: 2024-11-05. Review status: criteria provided, single submitter. Criteria: ACMG Guidelines, 2015. Collection method: clinical testing. Allele origin: germline.
Comment: This variant changes one of the conserved glycine residues within the Gly-Xaa-Yaa repeat motifs of the triple helical domain of the COL3A1 protein. Although functional studies have not been reported for this variant, conserved glycine residues within the Gly-Xaa-Yaa repeats are required for the structural stability of fibrillar collagens (PMID: 7695699, 8218237, 19344236) and missense variants occurring at these glycine residues have been associated with disease (PMID: 24922459, 25758994). Computational prediction suggests that this variant may have deleterious impact on protein structure and function. This variant has not been reported in individuals affected with COL3A1-related disorders in the literature. This variant has not been identified in the general population by the Genome Aggregation Database (gnomAD). Different variants affecting the same codon, p.Gly1101Glu and p.Gly1101Arg, have been observed in individuals with vascular Ehlers-Danlos syndrome and are reported as disease-causing (ClinVar variation ID: 17226, 101126), suggesting that glycine at this position is important for COL3A1 protein function. Based on the available evidence, this variant is classified as Likely Pathogenic.

All of Us Research Program, National Institutes of Health
Classification: Likely pathogenic for Ehlers-Danlos syndrome, type 4. Last evaluated: 2024-09-09. Review status: criteria provided, single submitter. Criteria: ACMG Guidelines, 2015. Collection method: clinical testing. Allele origin: germline. Inheritance: Autosomal dominant inheritance. Observed: 1 variant allele, 1 heterozygote.
Comment: The c.3302G>C (p.Gly1101Ala) variant in COL3A1 gene that encodes for collagen type III alpha 1 chain, has not been reported in individuals affected with Ehlers-Danlos syndrome or other COL3A1-related phenotypes. Changes to glycine residues of the COL3A1 protein are significantly enriched in individuals with COL3A1-related conditions (PMID: 24922459, 25758994). Glycine residues within the Gly-X-Y repeats of the triple helix domain are required for the structure and stability of fibrillar collagens (PMID: 7695699, 8218237, 19344236). In-silico computational prediction tools suggest that the p.Gly1101Ala variant may have deleterious effect on the protein function (REVEL score: 0.937). This variant is absent in the general population database gnomAD (v4.1.0). Other variants at the same amino acid position, p.Gly1101Glu and p.Gly1101Arg, have been interpreted as pathogenic by ClinVar submitters (ClinVar ID: 101126, 17226). Therefore, the c.3302G>C (p.Gly1101Ala) variant in COL3A1 is classified as likely pathogenic.

This study involves interpretation of variants in research participants for the purpose of population health screening. Participant phenotype was not available at the time of variant classification. Additional details can be found in publication PMID: 35346344, PMCID: PMC8962531

Literature cited by the submitters: PubMed 7695699 (cited by Color Diagnostics, LLC DBA Color Health and All of Us Research Program, National Institutes of Health); PubMed 8218237 (cited by Color Diagnostics, LLC DBA Color Health and All of Us Research Program, National Institutes of Health); PubMed 19344236 (cited by Color Diagnostics, LLC DBA Color Health and All of Us Research Program, National Institutes of Health); PubMed 24922459 (cited by Color Diagnostics, LLC DBA Color Health and All of Us Research Program, National Institutes of Health); PubMed 25758994 (cited by Color Diagnostics, LLC DBA Color Health and All of Us Research Program, National Institutes of Health).